The following is an entry in ClinVar:

ClinVar aggregate classification (germline): Uncertain significance. Review status: criteria provided, multiple submitters, no conflicts (2 of 4 stars). 2 submissions from 2 submitters: Uncertain significance (2). Last evaluated 2025-07-03.

Conditions:
Inborn genetic diseases. Identifiers: MedGen C0950123, MeSH D030342.

Allele frequency attached by ClinVar (database versions not stated): gnomAD 0.00001; gnomAD exomes below 0.00001.
gnomAD v4.1: 3 of 1,613,446 alleles (0.00019%); highest among the groups gnomAD compares: Non-Finnish European, 0.00025%; no homozygotes.

Submissions (2):

Ambry Genetics
Classification: Uncertain significance for Inborn genetic diseases. Last evaluated: 2025-07-03. Review status: criteria provided, single submitter. Criteria: Ambry Variant Classification Scheme 2023. Collection method: clinical testing. Allele origin: germline.

Labcorp Genetics (formerly Invitae), Labcorp
Classification: Uncertain significance. Last evaluated: 2022-11-15. Review status: criteria provided, single submitter. Criteria: Invitae Variant Classification Sherloc (09022015). Collection method: clinical testing. Allele origin: germline.
Comment: This variant is present in population databases (no rsID available, gnomAD 0.0009%). In summary, the available evidence is currently insufficient to determine the role of this variant in disease. Therefore, it has been classified as a Variant of Uncertain Significance. Algorithms developed to predict the effect of missense changes on protein structure and function are either unavailable or do not agree on the potential impact of this missense change (SIFT: "Deleterious"; PolyPhen-2: "Probably Damaging"; Align-GVGD: "Class C0"). This variant has not been reported in the literature in individuals affected with CNTNAP1-related conditions. This sequence change replaces threonine, which is neutral and polar, with serine, which is neutral and polar, at codon 1317 of the CNTNAP1 protein (p.Thr1317Ser).

NM_003632.3(CNTNAP1):c.3950C>G (p.Thr1317Ser)

Genes: CNTNAP1 (contactin associated protein 1; plus strand), LOC128669077 (EZH1 +46 kb erythroid enhancer; plus strand). Cytogenetic location: 17q21.2.
Variant type: single nucleotide variant.
Coding change: c.3950C>G on transcript NM_003632.3 (MANE Select); coding-DNA position 3950, C replaced by G.
Protein change: p.Thr1317Ser; replaces threonine 1317 with serine.
Molecular consequence: missense variant.
Genome position (GRCh38, 1-based): chr17:42,698,705, C>G. VCF-style: chr17-42698705-C-G. GRCh37 (hg19) VCF-style: chr17-40850723-C-G.
Other names: c.3950C>G (NM_003632.2); short protein forms T1317S.
Identifiers: ClinVar variation 2066754 (VCV002066754.5), dbSNP rs1354232796, ClinGen allele CA399631409.